The following is an entry in ClinVar:

ClinVar aggregate classification (germline): Conflicting classifications of pathogenicity. Review status: criteria provided, conflicting classifications (1 of 4 stars). 4 submissions from 4 submitters: Uncertain significance (3); Benign (1). Last evaluated 2025-10-08.

Conditions:
Fanconi anemia complementation group O. Also called: RAD51C-Related Fanconi Anemia. Identifiers: Orphanet 84, MedGen C3150653, MONDO:0013248, OMIM 613390.
Breast-ovarian cancer, familial, susceptibility to, 3. Also called: RAD51C-Related Breast/Ovarian Cancer. Identifiers: Orphanet 145, MedGen C3150659, MONDO:0013253, OMIM 613399.
Hereditary cancer-predisposing syndrome. Also called: Tumor predisposition; Neoplastic Syndromes, Hereditary; Hereditary Cancer Syndrome; Hereditary neoplastic syndrome. Identifiers: Orphanet 140162, MedGen C0027672, MeSH D009386, MONDO:0015356.

Allele frequency attached by ClinVar (database versions not stated): gnomAD exomes 0.00001.
gnomAD v4.1: 3 of 1,614,254 alleles (0.00019%); highest among the groups gnomAD compares: East Asian, 0.0067%; no homozygotes.

Submissions (4):

Ambry Genetics
Classification: Benign for Hereditary cancer-predisposing syndrome. Last evaluated: 2025-10-08. Review status: criteria provided, single submitter. Criteria: Ambry Variant Classification Scheme 2023. Collection method: clinical testing. Allele origin: germline.

Color Diagnostics, LLC DBA Color Health
Classification: Uncertain significance for Hereditary cancer-predisposing syndrome. Last evaluated: 2023-12-04. Review status: criteria provided, single submitter. Criteria: ACMG Guidelines, 2015. Collection method: clinical testing. Allele origin: germline.
Comment: This missense variant replaces alanine with serine at codon 30 of the RAD51C protein. Computational prediction suggests that this variant may not impact protein structure and function (internally defined REVEL score threshold <= 0.5, PMID: 27666373). To our knowledge, functional studies have not been reported for this variant. This variant has not been reported in individuals affected with RAD51C-related disorders in the literature. This variant has not been identified in the general population by the Genome Aggregation Database (gnomAD). The available evidence is insufficient to determine the role of this variant in disease conclusively. Therefore, this variant is classified as a Variant of Uncertain Significance.

Labcorp Genetics (formerly Invitae), Labcorp
Classification: Uncertain significance for Fanconi anemia complementation group O. Last evaluated: 2022-12-03. Review status: criteria provided, single submitter. Criteria: Invitae Variant Classification Sherloc (09022015). Collection method: clinical testing. Allele origin: germline.
Comment: In summary, the available evidence is currently insufficient to determine the role of this variant in disease. Therefore, it has been classified as a Variant of Uncertain Significance. Advanced modeling of protein sequence and biophysical properties (such as structural, functional, and spatial information, amino acid conservation, physicochemical variation, residue mobility, and thermodynamic stability) performed at Invitae indicates that this missense variant is not expected to disrupt RAD51C protein function. ClinVar contains an entry for this variant (Variation ID: 492389). This variant has not been reported in the literature in individuals affected with RAD51C-related conditions. This variant is not present in population databases (gnomAD no frequency). This sequence change replaces alanine, which is neutral and non-polar, with serine, which is neutral and polar, at codon 30 of the RAD51C protein (p.Ala30Ser).

Fulgent Genetics
Classification: Uncertain significance for Fanconi anemia complementation group O; Breast-ovarian cancer, familial, susceptibility to, 3. Last evaluated: 2022-02-09. Review status: criteria provided, single submitter. Criteria: ACMG Guidelines, 2015. Collection method: clinical testing. Allele origin: unknown.

NM_058216.3(RAD51C):c.88G>T (p.Ala30Ser)

Gene: RAD51C (RAD51 paralog C; plus strand). Cytogenetic location: 17q22.
Variant type: single nucleotide variant.
Coding change: c.88G>T on transcript NM_058216.3 (MANE Select); coding-DNA position 88, G replaced by T.
Protein change: p.Ala30Ser; replaces alanine 30 with serine.
Molecular consequence: missense variant. On other transcripts: non-coding transcript variant (1).
Genome position (GRCh38, 1-based): chr17:58,692,731, G>T. VCF-style: chr17-58692731-G-T. GRCh37 (hg19) VCF-style: chr17-56770092-G-T.
Other names: c.88G>T, p.Ala30Ser (NM_002876.4); short protein forms A30S.
Identifiers: ClinVar variation 492389 (VCV000492389.19), dbSNP rs1331134740, ClinGen allele CA400337138.